The following is an entry in ClinVar:

NM_153252.5(BRWD3):c.2392C>G (p.Gln798Glu)

Gene: BRWD3 (bromodomain and WD repeat domain containing 3; minus strand). Cytogenetic location: Xq21.1.
Variant type: single nucleotide variant.
Coding change: c.2392C>G on transcript NM_153252.5 (MANE Select); coding-DNA position 2392, C replaced by G.
Protein change: p.Gln798Glu; replaces glutamine 798 with glutamic acid.
Molecular consequence: missense variant. On other transcripts: intron variant (1).
Genome position (GRCh38, 1-based): chrX:80,709,511, G>C on the plus strand (C>G on the coding strand, the complement: BRWD3 is on the minus strand). VCF-style: chrX-80709511-G-C. GRCh37 (hg19) VCF-style: chrX-79965010-G-C.
Other names: c.2326-2008C>G (NM_001441339.1); short protein forms Q798E.
Identifiers: ClinVar variation 4851729 (VCV004851729.1).

ClinVar aggregate classification (germline): Uncertain significance (1 of 4 stars; one submission).

gnomAD v4.1: 1 of 1,209,999 alleles (0.000083%); highest among the groups gnomAD compares: Non-Finnish European, 0.00011%; no homozygotes.

Submission:

Greenwood Genetic Center Diagnostic Laboratories, Greenwood Genetic Center
Classification: Uncertain significance. Last evaluated: 2025-03-12. Review status: criteria provided, single submitter. Criteria: ACMG Guidelines, 2015. Collection method: clinical testing. Allele origin: germline.
Comment: PM2, BP4, PP2